The following is an entry in ClinVar:

NM_000090.4(COL3A1):c.746G>T (p.Gly249Val)

Gene: COL3A1 (collagen type III alpha 1 chain; plus strand). Cytogenetic location: 2q32.2.
Variant type: single nucleotide variant.
Coding change: c.746G>T on transcript NM_000090.4 (MANE Select); coding-DNA position 746, G replaced by T.
Protein change: p.Gly249Val; replaces glycine 249 with valine.
Molecular consequence: missense variant.
Genome position (GRCh38, 1-based): chr2:188,990,308, G>T. VCF-style: chr2-188990308-G-T. GRCh37 (hg19) VCF-style: chr2-189855034-G-T.
Identifiers: ClinVar variation 101295 (VCV000101295.8), dbSNP rs121912927, ClinGen allele CA007357.

ClinVar aggregate classification (germline): Pathogenic. Review status: criteria provided, single submitter (1 of 4 stars). 2 submissions from 2 submitters: Pathogenic (1). 1 of the submissions does not count toward it. Last evaluated 2022-03-18.

Conditions:
Ehlers-Danlos syndrome, type 4 (EDSVASC). Also called: Ehlers-Danlos syndrome vascular type; Ehlers Danlos syndrome, ecchymotic type; Ehlers Danlos syndrome, arterial type; Ehlers Danlos syndrome, Sack-Barabas type; Ehlers-Danlos Syndrome Type IV. Identifiers: Orphanet 286, MedGen C0268338, MONDO:0017314, OMIM 130050.

Submissions (2):

Labcorp Genetics (formerly Invitae), Labcorp
Classification: Pathogenic for Ehlers-Danlos syndrome, type 4. Last evaluated: 2022-03-18. Review status: criteria provided, single submitter. Criteria: Invitae Variant Classification Sherloc (09022015). Collection method: clinical testing. Allele origin: germline.
Comment: For these reasons, this variant has been classified as Pathogenic. This variant disrupts the p.Gly249 (also known as G82) amino acid residue in COL3A1. Other variant(s) that disrupt this residue have been observed in individuals with COL3A1-related conditions (PMID: 10706896), which suggests that this may be a clinically significant amino acid residue. This variant disrupts the triple helix domain of COL3A1. Glycine residues within the Gly-Xaa-Yaa repeats of the triple helix domain are required for the structure and stability of fibrillar collagens (PMID: 7695699, 8218237, 19344236). In COL3A1, variants that affect these glycine residues are significantly enriched in individuals with disease (PMID: 24922459, 25758994) compared to the general population (ExAC). Algorithms developed to predict the effect of missense changes on protein structure and function are either unavailable or do not agree on the potential impact of this missense change (SIFT: "Deleterious"; PolyPhen-2: "Not Available"; Align-GVGD: "Class C0"). ClinVar contains an entry for this variant (Variation ID: 101295). This variant is also known as G82V. This missense change has been observed in individuals with clinical features of vascular Ehlers-Danlos syndrome (PMID: 10706896; Invitae). This variant is not present in population databases (gnomAD no frequency). This sequence change replaces glycine, which is neutral and non-polar, with valine, which is neutral and non-polar, at codon 249 of the COL3A1 protein (p.Gly249Val).

Collagen Diagnostic Laboratory, University of Washington
Classification: Pathogenic for Ehlers-Danlos syndrome, type 4. Review status: no assertion criteria provided. Collection method: clinical testing. Allele origin: germline. Affected: yes. Not counted in ClinVar's aggregate classification.

Literature cited by the submitters: PubMed 10706896 (cited by Labcorp Genetics (formerly Invitae), Labcorp and Collagen Diagnostic Laboratory, University of Washington); PubMed 7695699 (cited by Labcorp Genetics (formerly Invitae), Labcorp); PubMed 8218237 (cited by Labcorp Genetics (formerly Invitae), Labcorp); PubMed 19344236 (cited by Labcorp Genetics (formerly Invitae), Labcorp); PubMed 24922459 (cited by Labcorp Genetics (formerly Invitae), Labcorp); PubMed 25758994 (cited by Labcorp Genetics (formerly Invitae), Labcorp).